The following is an entry in ClinVar:

NM_006767.4(LZTR1):c.1357G>T (p.Glu453Ter)

Gene: LZTR1 (leucine zipper like post translational regulator 1; plus strand). Cytogenetic location: 22q11.21.
Variant type: single nucleotide variant.
Coding change: c.1357G>T on transcript NM_006767.4 (MANE Select); coding-DNA position 1357, G replaced by T.
Protein change: p.Glu453Ter; replaces glutamic acid 453 with a stop codon.
Molecular consequence: nonsense.
Genome position (GRCh38, 1-based): chr22:20,993,927, G>T. VCF-style: chr22-20993927-G-T. GRCh37 (hg19) VCF-style: chr22-21348216-G-T.
Other names: c.1357G>T (NM_006767.3); short protein forms E453*.
Identifiers: ClinVar variation 2652929 (VCV002652929.25), dbSNP rs1242347607, ClinGen allele CA410774977.
Genomic context (GRCh38, chr22:20,993,927, plus strand): 5'-TCTGTTCTCTGGGGCGAGGGTCCTGTGCCCTCTGCCAGTGCATCATTCTTTGTGCAGAAG[G>T]AGGAGTGCGTGCAGGGCCACGTAGCCATTGTCACAGCGCGGAGCCGCTGGCTTCGCAGGA-3'

ClinVar aggregate classification (germline): Pathogenic. Review status: criteria provided, multiple submitters, no conflicts (2 of 4 stars). 2 submissions from 2 submitters: Pathogenic (2). Last evaluated 2025-09-08.

Conditions:
Cardiovascular phenotype. Identifiers: MedGen CN230736.
Hereditary cancer-predisposing syndrome. Also called: Neoplastic Syndromes, Hereditary; Tumor predisposition; Hereditary neoplastic syndrome; Hereditary Cancer Syndrome. Identifiers: Orphanet 140162, MedGen C0027672, MeSH D009386, MONDO:0015356.

Allele frequency attached by ClinVar (database versions not stated): gnomAD exomes below 0.00001.

Submissions (2):

Ambry Genetics
Classification: Pathogenic for Cardiovascular phenotype; Hereditary cancer-predisposing syndrome. Last evaluated: 2025-09-08. Review status: criteria provided, single submitter. Criteria: Ambry Variant Classification Scheme 2023. Collection method: clinical testing. Allele origin: germline.
Comment: The p.E453* pathogenic mutation (also known as c.1357G>T), located in coding exon 13 of the LZTR1 gene, results from a G to T substitution at nucleotide position 1357. This changes the amino acid from a glutamic acid to a stop codon within coding exon 13. This variant is considered to be rare based on population cohorts in the Genome Aggregation Database (gnomAD). This alteration is expected to result in loss of function by premature protein truncation or nonsense-mediated mRNA decay. Loss-of-function variants in LZTR1 are related to an increased risk for schwannomas and autosomal recessive Noonan syndrome; however, such associations with autosomal dominant Noonan syndrome have not been observed (Piotrowski A et al. Nat Genet. 2014 Feb;46:182-7; Yamamoto GL et al. J Med Genet. 2015 Jun;52:413-21; Johnston JJ et al. Genet Med. 2018 10;20:1175-1185). Based on the supporting evidence, this variant is pathogenic for an increased risk of LZTR1-related schwannomatosis (SWN) and would be expected to cause autosomal recessive Noonan syndrome when present along with a second pathogenic or likely pathogenic variant on the other allele; however, the association of this alteration with autosomal dominant Noonan syndrome is unlikely.

CeGaT Center for Human Genetics Tuebingen
Classification: Pathogenic. Last evaluated: 2023-02-01. Review status: criteria provided, single submitter. Criteria: CeGaT Center For Human Genetics Tuebingen Variant Classification Criteria Version 2. Collection method: clinical testing. Allele origin: germline. Affected: yes. Observed: 1 variant allele.
Comment: LZTR1: PVS1, PM2